The following is an entry in ClinVar:

ClinVar aggregate classification (germline): Pathogenic (1 of 4 stars; one submission).

Conditions:
Cockayne syndrome type 1. Also called: Cockayne syndrome type I; Cockayne syndrome classical; Cockayne syndrome classic form. Identifiers: Orphanet 191, Orphanet 90321, MedGen C0751039, MONDO:0019569, OMIM 216400.

Submission:

Breda Genetics srl
Classification: Pathogenic for Cockayne syndrome type 1. Last evaluated: 2018-01-17. Review status: criteria provided, single submitter. Criteria: ACMG CNV Guidelines, 2011. Collection method: clinical testing. Allele origin: unknown. Inheritance: Autosomal recessive inheritance. Affected: yes. Observed: 1 variant allele, 1 compound heterozygote.
Comment: This deletion encompasses also the first exon of the NDUFAF2 gene.

NC_000005.9:g.60164820_60244992del

Genes: ERCC8 (ERCC excision repair 8, CSA ubiquitin ligase complex subunit; minus strand), NDUFAF2 (NADH:ubiquinone oxidoreductase complex assembly factor 2; plus strand). Cytogenetic location: 5q12.1.
Variant type: Deletion.
Identifiers: ClinVar variation 617678 (VCV000617678.3).